The following is an entry in ClinVar:

ClinVar aggregate classification (germline): Uncertain significance. Review status: criteria provided, multiple submitters, no conflicts (2 of 4 stars). 3 submissions from 3 submitters: Uncertain significance (3). Last evaluated 2024-11-22.

Conditions:
Cardiovascular phenotype. Identifiers: MedGen CN230736.
Brittle cornea syndrome 1 (BCS1). Also called: CORNEAL FRAGILITY, KERATOGLOBUS, BLUE SCLERAE, JOINT HYPEREXTENSIBILITY; EDS6B; FRAGILITAS OCULI WITH JOINT HYPEREXTENSIBILITY; Corneal fragility keratoglobus, blue sclerae AND joint hypermobility; DYSGENESIS MESODERMALIS CORNEAE ET SCLERAE. Identifiers: Orphanet 90354, MedGen C0268344, MONDO:0024543, OMIM 229200.

gnomAD v4.1: 3 of 1,550,416 alleles (0.00019%); highest among the groups gnomAD compares: Admixed American, 0.0039%; no homozygotes.

Submissions (3):

Ambry Genetics
Classification: Uncertain significance for Cardiovascular phenotype. Last evaluated: 2024-11-22. Review status: criteria provided, single submitter. Criteria: Ambry Variant Classification Scheme 2023. Collection method: clinical testing. Allele origin: germline.

Fulgent Genetics
Classification: Uncertain significance for Brittle cornea syndrome 1. Last evaluated: 2024-04-01. Review status: criteria provided, single submitter. Criteria: ACMG Guidelines, 2015. Collection method: clinical testing. Allele origin: germline.

Labcorp Genetics (formerly Invitae), Labcorp
Classification: Uncertain significance. Last evaluated: 2022-05-28. Review status: criteria provided, single submitter. Criteria: Invitae Variant Classification Sherloc (09022015). Collection method: clinical testing. Allele origin: germline.
Comment: This sequence change replaces proline, which is neutral and non-polar, with serine, which is neutral and polar, at codon 2395 of the ZNF469 protein (p.Pro2395Ser). This variant is present in population databases (no rsID available, gnomAD 0.008%). This variant has not been reported in the literature in individuals affected with ZNF469-related conditions. Algorithms developed to predict the effect of missense changes on protein structure and function are either unavailable or do not agree on the potential impact of this missense change (SIFT: "Tolerated"; PolyPhen-2: "Probably Damaging"; Align-GVGD: "Class C0"). In summary, the available evidence is currently insufficient to determine the role of this variant in disease. Therefore, it has been classified as a Variant of Uncertain Significance.

NM_001367624.2(ZNF469):c.7267C>T (p.Pro2423Ser)

Gene: ZNF469 (zinc finger protein 469; plus strand). Cytogenetic location: 16q24.2.
Variant type: single nucleotide variant.
Coding change: c.7267C>T on transcript NM_001367624.2 (MANE Select); coding-DNA position 7267, C replaced by T.
Protein change: p.Pro2423Ser; replaces proline 2423 with serine.
Molecular consequence: missense variant.
Genome position (GRCh38, 1-based): chr16:88,434,737, C>T. VCF-style: chr16-88434737-C-T. GRCh37 (hg19) VCF-style: chr16-88501145-C-T.
Other names: NM_001127464.1:c.7183C>T; short protein forms P2423S.
Identifiers: ClinVar variation 1757551 (VCV001757551.6), dbSNP rs199727372, ClinGen allele CA397109053.